The following is an entry in ClinVar:

NM_020884.7(MYH7B):c.1142C>G (p.Thr381Ser)

Gene: MYH7B (myosin heavy chain 7B; plus strand). Cytogenetic location: 20q11.22.
Variant type: single nucleotide variant.
Coding change: c.1142C>G on transcript NM_020884.7 (MANE Select); coding-DNA position 1142, C replaced by G.
Protein change: p.Thr381Ser; replaces threonine 381 with serine.
Molecular consequence: missense variant.
Genome position (GRCh38, 1-based): chr20:34,987,282, C>G. VCF-style: chr20-34987282-C-G. GRCh37 (hg19) VCF-style: chr20-33575085-C-G.
Other names: short protein forms T381S.
Identifiers: ClinVar variation 4766167 (VCV004766167.1).

ClinVar aggregate classification (germline): Uncertain significance (1 of 4 stars; one submission).

Submission:

Labcorp Genetics (formerly Invitae), Labcorp
Classification: Uncertain significance. Last evaluated: 2025-08-10. Review status: criteria provided, single submitter. Criteria: Invitae Variant Classification Sherloc (09022015). Collection method: clinical testing. Allele origin: germline.
Comment: This sequence change replaces threonine, which is neutral and polar, with serine, which is neutral and polar, at codon 423 of the MYH7B protein (p.Thr423Ser). This variant is not present in population databases (gnomAD no frequency). This variant has not been reported in the literature in individuals affected with MYH7B-related conditions. Invitae Evidence Modeling of protein sequence and biophysical properties (such as structural, functional, and spatial information, amino acid conservation, physicochemical variation, residue mobility, and thermodynamic stability) indicates that this missense variant is expected to disrupt MYH7B protein function with a positive predictive value of 80%. Algorithms developed to predict the effect of sequence changes on RNA splicing suggest that this variant may disrupt the consensus splice site. In summary, the available evidence is currently insufficient to determine the role of this variant in disease. Therefore, it has been classified as a Variant of Uncertain Significance.